The following is an entry in ClinVar:

ClinVar aggregate classification (germline): Uncertain significance (1 of 4 stars; one submission).

gnomAD v4.1: 1 of 1,613,930 alleles (0.000062%); no homozygotes.

Submission:

Women's Health and Genetics/Laboratory Corporation of America, LabCorp
Classification: Uncertain significance. Last evaluated: 2022-05-10. Review status: criteria provided, single submitter. Criteria: LabCorp Variant Classification Summary - May 2015. Collection method: clinical testing. Allele origin: germline.
Comment: Variant summary: TCF12 c.527-6C>A alters a non-conserved nucleotide located close to a canonical splice site and therefore could affect mRNA splicing, leading to a significantly altered protein sequence: 3 of 4 computational tools predict the variant weakens a 3' acceptor site. However, these predictions have yet to be confirmed by functional studies. The variant was absent in 251190 control chromosomes (gnomAD). The available data on variant occurrences in the general population are insufficient to allow any conclusion about variant significance. To our knowledge, no occurrence of c.527-6C>A in individuals affected with TCF12-Related Craniosynostosis and no experimental evidence demonstrating its impact on protein function have been reported. No clinical diagnostic laboratories have submitted clinical-significance assessments for this variant to ClinVar after 2014. Based on the evidence outlined above, the variant was classified as uncertain significance.

NM_207037.2(TCF12):c.527-6C>A

Gene: TCF12 (transcription factor 12; plus strand). Cytogenetic location: 15q21.3.
Variant type: single nucleotide variant.
Coding change: c.527-6C>A on transcript NM_207037.2 (MANE Select); 6 bases into the intron before coding-DNA position 527, C replaced by A.
Molecular consequence: intron variant.
Genome position (GRCh38, 1-based): chr15:57,197,767, C>A. VCF-style: chr15-57197767-C-A. GRCh37 (hg19) VCF-style: chr15-57489965-C-A.
Other names: c.527-6C>A (NM_001322151.2, NM_001322159.3, NM_001322157.3 and 7 more transcripts); c.353-6C>A (NM_001322156.2, NM_001322158.2); c.-131-6C>A (NM_001322154.2); c.563-6C>A (NM_001322164.2).
Identifiers: ClinVar variation 1696056 (VCV001696056.1), dbSNP rs936573930, ClinGen allele CA270896735.